The following is an entry in ClinVar:

ClinVar aggregate classification (germline): Likely benign (1 of 4 stars; one submission).

Allele frequency attached by ClinVar (database versions not stated): gnomAD 0.00001; gnomAD exomes 0.00001; ExAC 0.00003; 1000 Genomes Project 30x 0.00031; 1000 Genomes Project 0.00040.
gnomAD v4.1: 22 of 1,614,104 alleles (0.0014%); highest among the groups gnomAD compares: South Asian, 0.021%; no homozygotes.

Submission:

CeGaT Center for Human Genetics Tuebingen
Classification: Likely benign. Last evaluated: 2023-03-01. Review status: criteria provided, single submitter. Criteria: CeGaT Center For Human Genetics Tuebingen Variant Classification Criteria Version 2. Collection method: clinical testing. Allele origin: germline. Affected: yes. Observed: 1 variant allele.
Comment: QSER1: BP4

NM_001076786.3(QSER1):c.999A>G (p.Gln333=)

Gene: QSER1 (glutamine and serine rich 1; plus strand). Cytogenetic location: 11p13.
Variant type: single nucleotide variant.
Coding change: c.999A>G on transcript NM_001076786.3 (MANE Select); coding-DNA position 999, A replaced by G.
Protein change: p.Gln333=; no amino-acid change (glutamine 333 retained).
Molecular consequence: synonymous variant.
Genome position (GRCh38, 1-based): chr11:32,932,257, A>G. VCF-style: chr11-32932257-A-G. GRCh37 (hg19) VCF-style: chr11-32953803-A-G.
Other names: c.999A>G, p.Gln333= (NM_001416036.1, NM_001416037.1, NM_001416039.1); c.837A>G, p.Gln279= (NM_001416038.1).
Identifiers: ClinVar variation 2641711 (VCV002641711.24), dbSNP rs541145992, ClinGen allele CA5936081.